The following is an entry in ClinVar:

ClinVar aggregate classification (germline): Benign (0 of 4 stars; one submission).

Conditions:
TNS1-related disorder. Also called: TNS1-related condition.

Allele frequency attached by ClinVar (database versions not stated): 1000 Genomes Project 30x 0.03935; TOPMed 0.07489; ExAC 0.08094; 1000 Genomes Project 0.03834; ESP Exome Variant Server 0.08581.
gnomAD v4.1: 162,739 of 1,613,970 alleles (10%); highest among the groups gnomAD compares: Non-Finnish European, 12%; 9,383 homozygotes.

Submission:

PreventionGenetics, part of Exact Sciences
Classification: Benign for TNS1-related condition. Last evaluated: 2019-03-06. Review status: no assertion criteria provided. Collection method: clinical testing. Allele origin: germline.
Comment: This variant is classified as benign based on ACMG/AMP sequence variant interpretation guidelines (Richards et al. 2015 PMID: 25741868, with internal and published modifications).

NM_001387777.1(TNS1):c.5477A>G (p.Asn1826Ser)

Gene: TNS1 (tensin 1; minus strand). Cytogenetic location: 2q35.
Variant type: single nucleotide variant.
Coding change: c.5477A>G on transcript NM_001387777.1 (MANE Select); coding-DNA position 5477, A replaced by G.
Protein change: p.Asn1826Ser; replaces asparagine 1826 with serine.
Molecular consequence: missense variant.
Genome position (GRCh38, 1-based): chr2:217,804,502, T>C on the plus strand (A>G on the coding strand, the complement: TNS1 is on the minus strand). VCF-style: chr2-217804502-T-C. GRCh37 (hg19) VCF-style: chr2-218669225-T-C.
Other names: c.5123A>G, p.Asn1708Ser (NM_001308022.2); c.5102A>G, p.Asn1701Ser (NM_001308023.2); c.5165A>G, p.Asn1722Ser (NM_022648.7); short protein forms N1701S, N1708S, N1722S, N1826S.
Identifiers: ClinVar variation 3060826 (VCV003060826.2), dbSNP rs61741262, ClinGen allele CA2099259.